The following is an entry in ClinVar:

NM_017837.4(PIGV):c.1277C>T (p.Pro426Leu)

Gene: PIGV (phosphatidylinositol glycan anchor biosynthesis class V; plus strand). Cytogenetic location: 1p36.11.
Variant type: single nucleotide variant.
Coding change: c.1277C>T on transcript NM_017837.4 (MANE Select); coding-DNA position 1277, C replaced by T.
Protein change: p.Pro426Leu; replaces proline 426 with leucine.
Molecular consequence: missense variant. On other transcripts: non-coding transcript variant (2).
Genome position (GRCh38, 1-based): chr1:26,797,639, C>T. VCF-style: chr1-26797639-C-T. GRCh37 (hg19) VCF-style: chr1-27124130-C-T.
Other names: c.1277C>T, p.Pro426Leu (NM_001202554.2, NM_001374478.1, NM_001374480.1 and 2 more transcripts); c.896C>T, p.Pro299Leu (NM_001374483.1); c.650C>T, p.Pro217Leu (NM_001374484.1, NM_001374485.1); c.155C>T, p.Pro52Leu (NM_001374486.1); short protein forms P426L, P217L, P299L, P52L.
Identifiers: ClinVar variation 197314 (VCV000197314.25), dbSNP rs146969255, ClinGen allele CA245378.

ClinVar aggregate classification (germline): Conflicting classifications of pathogenicity. Review status: criteria provided, conflicting classifications (1 of 4 stars). 7 submissions from 7 submitters: Uncertain significance (2); Likely benign (5). Last evaluated 2026-02-02.

Conditions:
PIGV-related disorder. Also called: PIGV-related condition; PIGV-related disorders.
Hyperphosphatasia with impaired intellectual development syndrome 1. Also called: GLYCOSYLPHOSPHATIDYLINOSITOL BIOSYNTHESIS DEFECT 2; MABRY SYNDROME; Hyperphosphatasia with intellectual disability syndrome 1. Identifiers: Orphanet 247262, MedGen C4551502, MONDO:0009398, OMIM 239300.

Allele frequency attached by ClinVar (database versions not stated): 1000 Genomes Project 0.00040; 1000 Genomes Project 30x 0.00047; TOPMed 0.00103; gnomAD 0.00109 and 0.00118; ExAC 0.00128; gnomAD exomes 0.00136; ESP Exome Variant Server 0.00154.

Submissions (7):

Labcorp Genetics (formerly Invitae), Labcorp
Classification: Likely benign. Last evaluated: 2026-02-02. Review status: criteria provided, single submitter. Criteria: Invitae Variant Classification Sherloc (09022015). Collection method: clinical testing. Allele origin: germline.

PreventionGenetics, part of Exact Sciences
Classification: Likely benign for PIGV-related condition. Last evaluated: 2025-09-26. Review status: criteria provided, single submitter. Criteria: ACMG Guidelines, 2015. Collection method: clinical testing. Allele origin: germline.
Comment: This variant is classified as likely benign based on ACMG/AMP sequence variant interpretation guidelines (Richards et al. 2015 PMID: 25741868, with internal and published modifications).

ARUP Laboratories, Molecular Genetics and Genomics, ARUP Laboratories
Classification: Likely benign for Hyperphosphatasia with impaired intellectual development syndrome 1. Last evaluated: 2025-02-20. Review status: criteria provided, single submitter. Criteria: ARUP Molecular Germline Variant Investigation Process 2024. Collection method: clinical testing. Allele origin: germline.

Blueprint Genetics
Classification: Likely benign. Last evaluated: 2024-11-22. Review status: criteria provided, single submitter. Criteria: ACMG Guidelines, 2015. Collection method: clinical testing. Allele origin: germline.

GeneDx
Classification: Likely benign. Last evaluated: 2020-08-04. Review status: criteria provided, single submitter. Criteria: GeneDx Variant Classification Process June 2021. Collection method: clinical testing. Allele origin: germline. Affected: yes.

Illumina Laboratory Services, Illumina
Classification: Uncertain significance for Hyperphosphatasia with impaired intellectual development syndrome 1. Last evaluated: 2018-01-13. Review status: criteria provided, single submitter. Criteria: ICSL Variant Classification Criteria 13 December 2019. Collection method: clinical testing. Allele origin: germline.

Eurofins Ntd Llc (ga)
Classification: Uncertain significance. Last evaluated: 2017-02-15. Review status: criteria provided, single submitter. Criteria: EGL Classification Definitions 2015. Collection method: clinical testing. Allele origin: germline. Observed: 3 variant alleles, 3 heterozygotes.